The following is an entry in ClinVar:

ClinVar aggregate classification (germline): Conflicting classifications of pathogenicity. Review status: criteria provided, conflicting classifications (1 of 4 stars). 5 submissions from 5 submitters: Uncertain significance (1); Likely benign (4). Last evaluated 2025-08-06.

Conditions:
Familial thoracic aortic aneurysm and aortic dissection (TAAD). Also called: Thoracic aortic aneurysms and dissections. Identifiers: Orphanet 91387, MedGen C4707243, MONDO:0019625.
Cardiovascular phenotype. Identifiers: MedGen CN230736.

Allele frequency attached by ClinVar (database versions not stated): gnomAD exomes 0.00003 and 0.00008; ExAC 0.00011; ESP Exome Variant Server 0.00016; 1000 Genomes Project 0.00040; TOPMed 0.00040; gnomAD 0.00044 and 0.00049; 1000 Genomes Project 30x 0.00047.
gnomAD v4.1: 110 of 1,612,520 alleles (0.0068%); highest among the groups gnomAD compares: African/African-American, 0.13%; no homozygotes.

Submissions (5):

Labcorp Genetics (formerly Invitae), Labcorp
Classification: Likely benign. Last evaluated: 2025-08-06. Review status: criteria provided, single submitter. Criteria: Invitae Variant Classification Sherloc (09022015). Collection method: clinical testing. Allele origin: germline.

Ambry Genetics
Classification: Uncertain significance for Cardiovascular phenotype. Last evaluated: 2024-09-11. Review status: criteria provided, single submitter. Criteria: Ambry Variant Classification Scheme 2023. Collection method: clinical testing. Allele origin: germline.
Comment: The p.S130P variant (also known as c.388T>C), located in coding exon 1 of the LOX gene, results from a T to C substitution at nucleotide position 388. The serine at codon 130 is replaced by proline, an amino acid with similar properties. This amino acid position is not well conserved in available vertebrate species. In addition, this alteration is predicted to be tolerated by in silico analysis. Since supporting evidence is limited at this time, the clinical significance of this alteration remains unclear.

Women's Health and Genetics/Laboratory Corporation of America, LabCorp
Classification: Likely benign. Last evaluated: 2023-10-19. Review status: criteria provided, single submitter. Criteria: LabCorp Variant Classification Summary - May 2015. Collection method: clinical testing. Allele origin: germline.

CHEO Genetics Diagnostic Laboratory, Children's Hospital of Eastern Ontario
Classification: Likely benign for Familial thoracic aortic aneurysm and aortic dissection. Last evaluated: 2023-03-21. Review status: criteria provided, single submitter. Criteria: ACMG Guidelines, 2015. Collection method: clinical testing. Allele origin: germline.

Breakthrough Genomics
Classification: Likely benign. Review status: criteria provided, single submitter. Criteria: ACMG Guidelines, 2015. Collection method: not provided. Allele origin: germline. Inheritance: Autosomal dominant inheritance. Affected: yes.

NM_002317.7(LOX):c.388T>C (p.Ser130Pro)

Genes: LOX (lysyl oxidase; minus strand), SRFBP1 (serum response factor binding protein 1; plus strand). Cytogenetic location: 5q23.1.
Variant type: single nucleotide variant.
Coding change: c.388T>C on transcript NM_002317.7 (MANE Select); coding-DNA position 388, T replaced by C.
Protein change: p.Ser130Pro; replaces serine 130 with proline.
Molecular consequence: missense variant.
Genome position (GRCh38, 1-based): chr5:122,077,598, A>G on the plus strand (T>C on the coding strand, the complement: LOX is on the minus strand). VCF-style: chr5-122077598-A-G. GRCh37 (hg19) VCF-style: chr5-121413293-A-G.
Other names: short protein forms S130P.
Identifiers: ClinVar variation 731694 (VCV000731694.15), dbSNP rs139035462, ClinGen allele CA3384047.